The following is an entry in ClinVar:

NM_000337.6(SGCD):c.*5990T>A

Gene: SGCD (sarcoglycan delta; plus strand). Cytogenetic location: 5q33.3.
Variant type: single nucleotide variant.
Coding change: c.*5990T>A on transcript NM_000337.6 (MANE Select); 5990 bases downstream of the stop codon, T replaced by A.
Molecular consequence: 3 prime UTR variant.
Genome position (GRCh38, 1-based): chr5:156,765,380, T>A. VCF-style: chr5-156765380-T-A. GRCh37 (hg19) VCF-style: chr5-156192391-T-A.
Other names: c.*5990T>A (NM_001128209.2).
Identifiers: ClinVar variation 352415 (VCV000352415.7), dbSNP rs72803047, ClinGen allele CA10623903.

ClinVar aggregate classification (germline): Benign/Likely benign. Review status: criteria provided, multiple submitters, no conflicts (2 of 4 stars). 2 submissions from 2 submitters: Benign (1); Likely benign (1). Last evaluated 2018-01-12.

Conditions:
Qualitative or quantitative defects of delta-sarcoglycan. Identifiers: Orphanet 207070, MedGen C5680806, MONDO:0016144.

Allele frequency attached by ClinVar (database versions not stated): gnomAD 0.08329 and 0.08555; TOPMed 0.09311; 1000 Genomes Project 0.09864; 1000 Genomes Project 30x 0.10197.

Submissions (2):

Illumina Laboratory Services, Illumina
Classification: Benign for Qualitative or quantitative defects of delta-sarcoglycan. Last evaluated: 2018-01-12. Review status: criteria provided, single submitter. Criteria: ICSL Variant Classification Criteria 13 December 2019. Collection method: clinical testing. Allele origin: germline.
Comment: This variant was observed in the ICSL laboratory as part of a predisposition screen in an ostensibly healthy population. It had not been previously curated by ICSL or reported in the Human Gene Mutation Database (HGMD: prior to June 1st, 2018), and was therefore a candidate for classification through an automated scoring system. Utilizing variant allele frequency, disease prevalence and penetrance estimates, and inheritance mode, an automated score was calculated to assess if this variant is too frequent to cause the disease. Based on the score and internal cut-off values, a variant classified as benign is not then subjected to further curation. The score for this variant resulted in a classification of benign for this disease.

Breakthrough Genomics
Classification: Likely benign. Review status: criteria provided, single submitter. Criteria: ACMG Guidelines, 2015. Collection method: not provided. Allele origin: germline. Inheritance: Autosomal recessive inheritance. Affected: yes.